The following is an entry in ClinVar:

ClinVar aggregate classification (germline): Uncertain significance (1 of 4 stars; one submission).

Submission:

GeneDx
Classification: Uncertain significance. Last evaluated: 2024-04-01. Review status: criteria provided, single submitter. Criteria: GeneDx Variant Classification Process June 2021. Collection method: clinical testing. Allele origin: germline. Affected: yes.
Comment: Not observed at significant frequency in large population cohorts (gnomAD); In silico analysis supports that this missense variant does not alter protein structure/function; Reported using an alternate transcript of the gene; Has not been previously published as pathogenic or benign to our knowledge

NM_001366145.2(TRPM3):c.149C>A (p.Ala50Asp)

Gene: TRPM3 (transient receptor potential cation channel subfamily M member 3; minus strand). Cytogenetic location: 9q21.12.
Variant type: single nucleotide variant.
Coding change: c.149C>A on transcript NM_001366145.2 (MANE Select); coding-DNA position 149, C replaced by A.
Protein change: p.Ala50Asp; replaces alanine 50 with aspartic acid.
Molecular consequence: missense variant. On other transcripts: intron variant (4).
Genome position (GRCh38, 1-based): chr9:71,121,206, G>T on the plus strand (C>A on the coding strand, the complement: TRPM3 is on the minus strand). VCF-style: chr9-71121206-G-T. GRCh37 (hg19) VCF-style: chr9-73736122-G-T.
Other names: c.149C>A, p.Ala50Asp (NM_001007471.4, NM_001366146.2, NM_001366147.2 and 6 more transcripts); c.184-256695C>A (NM_001366143.2, NM_001366141.2, NM_001366142.2 and 1 more transcripts); short protein forms A50D.
Identifiers: ClinVar variation 3371720 (VCV003371720.1).